The following is an entry in ClinVar:

NM_198253.3(TERT):c.1544G>A (p.Arg515Gln)

Gene: TERT (telomerase reverse transcriptase; minus strand). Cytogenetic location: 5p15.33.
Variant type: single nucleotide variant.
Coding change: c.1544G>A on transcript NM_198253.3 (MANE Select); coding-DNA position 1544, G replaced by A.
Protein change: p.Arg515Gln; replaces arginine 515 with glutamine.
Molecular consequence: missense variant. On other transcripts: non-coding transcript variant (2).
Genome position (GRCh38, 1-based): chr5:1,293,342, C>T on the plus strand (G>A on the coding strand, the complement: TERT is on the minus strand). VCF-style: chr5-1293342-C-T. GRCh37 (hg19) VCF-style: chr5-1293457-C-T.
Other names: c.1544G>A, p.Arg515Gln (NM_001193376.3, NM_003219.1); short protein forms R515Q.
Identifiers: ClinVar variation 2942652 (VCV002942652.4), dbSNP rs2478407891, ClinGen allele CA359085097.
Genomic context (GRCh38, chr5:1,293,342, plus strand): 5'-CCTGGGCCCTCGACGGCCACCACCTCCTCACCTGGGCTCCTGCGCAGCCAAGCGCAGTCC[C>T]GCACGCTCATCTTCCACGTCAGCTCCTGCAGCGAGAGCTTGGCATGCTTCCCCAGGGAGA-3'
Protein context (NP_937983.2, residues 505-525): LQELTWKMSV[Arg515Gln]DCAWLRRSPG

ClinVar aggregate classification (germline): Conflicting classifications of pathogenicity. Review status: criteria provided, conflicting classifications (1 of 4 stars). 2 submissions from 2 submitters: Uncertain significance (1); Likely benign (1). Last evaluated 2024-07-28.

Conditions:
Idiopathic Pulmonary Fibrosis. Also called: Idiopathic fibrosing alveolitis, chronic form; idiopathic fibrosing alveolitis. Identifiers: Orphanet 2032, MedGen C1800706, MeSH D054990, MONDO:0800504.
Dyskeratosis congenita, autosomal dominant 2. Identifiers: MedGen C3151443, MONDO:0013521, OMIM 613989.
Dyskeratosis congenita. Identifiers: Orphanet 1775, MedGen C0265965, MONDO:0015780.

Submissions (2):

Ambry Genetics
Classification: Likely benign for Dyskeratosis congenita. Last evaluated: 2024-07-28. Review status: criteria provided, single submitter. Criteria: Ambry Variant Classification Scheme 2023. Collection method: clinical testing. Allele origin: germline.

Labcorp Genetics (formerly Invitae), Labcorp
Classification: Uncertain significance for Dyskeratosis congenita, autosomal dominant 2; Idiopathic Pulmonary Fibrosis. Last evaluated: 2023-06-06. Review status: criteria provided, single submitter. Criteria: Invitae Variant Classification Sherloc (09022015). Collection method: clinical testing. Allele origin: germline.
Comment: In summary, the available evidence is currently insufficient to determine the role of this variant in disease. Therefore, it has been classified as a Variant of Uncertain Significance. Advanced modeling of protein sequence and biophysical properties (such as structural, functional, and spatial information, amino acid conservation, physicochemical variation, residue mobility, and thermodynamic stability) performed at Invitae indicates that this missense variant is not expected to disrupt TERT protein function. This variant has not been reported in the literature in individuals affected with TERT-related conditions. This variant is not present in population databases (gnomAD no frequency). This sequence change replaces arginine, which is basic and polar, with glutamine, which is neutral and polar, at codon 515 of the TERT protein (p.Arg515Gln).